The following is an entry in ClinVar:

NM_007294.4(BRCA1):c.4160C>T (p.Ser1387Phe)

Gene: BRCA1 (BRCA1 DNA repair associated; minus strand). Cytogenetic location: 17q21.31.
Variant type: single nucleotide variant.
Coding change: c.4160C>T on transcript NM_007294.4 (MANE Select); coding-DNA position 4160, C replaced by T.
Protein change: p.Ser1387Phe; replaces serine 1387 with phenylalanine.
Molecular consequence: missense variant.
Genome position (GRCh38, 1-based): chr17:43,090,969, G>A on the plus strand (C>T on the coding strand, the complement: BRCA1 is on the minus strand). VCF-style: chr17-43090969-G-A. GRCh37 (hg19) VCF-style: chr17-41242986-G-A.
Other names: c.4160C>T, p.Ser1387Phe (NM_001407858.1, NM_001407859.1, NM_001407581.1 and 30 more transcripts); c.4157C>T, p.Ser1386Phe (NM_001407860.1, NM_001407861.1, NM_001407587.1 and 22 more transcripts); c.3959C>T, p.Ser1320Phe (NM_001407862.1); c.4037C>T, p.Ser1346Phe (NM_001407863.1, NM_001407919.1, NM_001407937.1 and 19 more transcripts); c.3956C>T, p.Ser1319Phe (NM_001407874.1, NM_001407875.1); c.3950C>T, p.Ser1317Phe (NM_001407879.1, NM_001407881.1, NM_001407882.1 and 13 more transcripts); c.3947C>T, p.Ser1316Phe (NM_001407894.1, NM_001407895.1, NM_001407571.1 and 9 more transcripts); c.4019C>T, p.Ser1340Phe (NM_001407698.1, NM_001407724.1, NM_001407725.1 and 29 more transcripts); and 41 more; short protein forms S116F, S1340F, S1361F, S157F, S281F, S282F, S519F, S1259F.
Identifiers: ClinVar variation 4842648 (VCV004842648.1).

ClinVar aggregate classification (germline): Uncertain significance (1 of 4 stars; one submission).

Conditions:
Hereditary cancer-predisposing syndrome. Also called: Neoplastic Syndromes, Hereditary; Tumor predisposition; Hereditary Cancer Syndrome; Hereditary neoplastic syndrome. Identifiers: Orphanet 140162, MedGen C0027672, MeSH D009386, MONDO:0015356.

Submission:

Ambry Genetics
Classification: Uncertain significance for Hereditary cancer-predisposing syndrome. Last evaluated: 2025-12-15. Review status: criteria provided, single submitter. Criteria: Ambry Variant Classification Scheme 2023. Collection method: clinical testing. Allele origin: germline.
Comment: The p.S1387F variant (also known as c.4160C>T), located in coding exon 10 of the BRCA1 gene, results from a C to T substitution at nucleotide position 4160. The serine at codon 1387 is replaced by phenylalanine, an amino acid with highly dissimilar properties. This amino acid position is highly conserved in available vertebrate species. In addition, the in silico prediction for this alteration is inconclusive. Based on the available evidence, the clinical significance of this variant remains unclear.